The following is an entry in ClinVar:

ClinVar aggregate classification (germline): Benign/Likely benign. Review status: criteria provided, multiple submitters, no conflicts (2 of 4 stars). 10 submissions from 10 submitters: Benign (2); Likely benign (7). 1 of the submissions does not count toward it. Last evaluated 2026-08-01.

Conditions:
COL11A2-related disorder. Also called: COL11A2-related disorders; COL11A2-related condition.
Inborn genetic diseases. Identifiers: MedGen C0950123, MeSH D030342.

Allele frequency attached by ClinVar (database versions not stated): 1000 Genomes Project 30x 0.00031; gnomAD exomes 0.00031 and 0.00041; 1000 Genomes Project 0.00040; ExAC 0.00047; ESP Exome Variant Server 0.00077; gnomAD 0.00150 and 0.00168; TOPMed 0.00171.
gnomAD v4.1: 678 of 1,614,164 alleles (0.042%); highest among the groups gnomAD compares: African/African-American, 0.51%; 2 homozygotes.

Submissions (10):

CeGaT Center for Human Genetics Tuebingen
Classification: Likely benign. Last evaluated: 2026-08-01. Review status: criteria provided, single submitter. Criteria: CeGaT Center For Human Genetics Tuebingen Variant Classification Criteria Version 2. Collection method: clinical testing. Allele origin: germline. Affected: yes. Observed: 1 variant allele.
Comment: COL11A2: BP4, BS1

Labcorp Genetics (formerly Invitae), Labcorp
Classification: Benign. Last evaluated: 2026-01-28. Review status: criteria provided, single submitter. Criteria: Invitae Variant Classification Sherloc (09022015). Collection method: clinical testing. Allele origin: germline.

Ambry Genetics
Classification: Likely benign for Inborn genetic diseases. Last evaluated: 2025-04-16. Review status: criteria provided, single submitter. Criteria: Ambry Variant Classification Scheme 2023. Collection method: clinical testing. Allele origin: germline.

Women's Health and Genetics/Laboratory Corporation of America, LabCorp
Classification: Likely benign. Last evaluated: 2024-11-12. Review status: criteria provided, single submitter. Criteria: LabCorp Variant Classification Summary - May 2015. Collection method: clinical testing. Allele origin: germline.
Comment: Variant summary: COL11A2 c.329G>A (p.Arg110Gln) results in a conservative amino acid change located in the thrombospondin N-terminal -like domains (IPR048287) of the encoded protein sequence. Five of five in-silico tools predict a benign effect of the variant on protein function. The variant allele was found at a frequency of 0.00042 in 1614164 control chromosomes, predominantly at a frequency of 0.0051 within the African or African-American subpopulation in the gnomAD database, including 2 homozygotes. To our knowledge, no occurrence of c.329G>A in individuals affected with COL11A2-Related Disorders and no experimental evidence demonstrating its impact on protein function have been reported. ClinVar contains an entry for this variant (Variation ID: 287843). Based on the evidence outlined above, the variant was classified as likely benign.

Blueprint Genetics
Classification: Likely benign. Last evaluated: 2024-09-20. Review status: criteria provided, single submitter. Criteria: ACMG Guidelines, 2015. Collection method: clinical testing. Allele origin: germline.

GeneDx
Classification: Likely benign. Last evaluated: 2021-04-01. Review status: criteria provided, single submitter. Criteria: GeneDx Variant Classification Process June 2021. Collection method: clinical testing. Allele origin: germline. Affected: yes.

ARUP Laboratories, Molecular Genetics and Genomics, ARUP Laboratories
Classification: Likely benign. Last evaluated: 2020-07-09. Review status: criteria provided, single submitter. Criteria: ARUP Molecular Germline Variant Investigation Process. Collection method: clinical testing. Allele origin: germline.

Eurofins Ntd Llc (ga)
Classification: Likely benign. Last evaluated: 2016-06-07. Review status: criteria provided, single submitter. Criteria: EGL Classification Definitions 2015. Collection method: clinical testing. Allele origin: germline. Observed: 1 variant allele, 1 heterozygote.

Laboratory for Molecular Medicine, Mass General Brigham Personalized Medicine
Classification: Benign. Last evaluated: 2016-04-08. Review status: criteria provided, single submitter. Criteria: LMM Criteria. Collection method: clinical testing. Allele origin: germline. Observed: 3 variant alleles.
Comment: p.Arg110Gln in exon 3 of COL11A2: This variant is not expected to have clinical significance because it has been identified in 0.5% (52/10254) of African chromo somes by the Exome Aggregation Consortium (ExAC; dbSNP rs145960317).

PreventionGenetics, part of Exact Sciences
Classification: Likely benign for COL11A2-related condition. Last evaluated: 2019-10-31. Review status: no assertion criteria provided. Collection method: clinical testing. Allele origin: germline. Not counted in ClinVar's aggregate classification.
Comment: This variant is classified as likely benign based on ACMG/AMP sequence variant interpretation guidelines (Richards et al. 2015 PMID: 25741868, with internal and published modifications).

NM_080680.3(COL11A2):c.329G>A (p.Arg110Gln)

Gene: COL11A2 (collagen type XI alpha 2 chain; minus strand). Cytogenetic location: 6p21.32.
Variant type: single nucleotide variant.
Coding change: c.329G>A on transcript NM_080680.3 (MANE Select); coding-DNA position 329, G replaced by A.
Protein change: p.Arg110Gln; replaces arginine 110 with glutamine.
Molecular consequence: missense variant.
Genome position (GRCh38, 1-based): chr6:33,189,092, C>T on the plus strand (G>A on the coding strand, the complement: COL11A2 is on the minus strand). VCF-style: chr6-33189092-C-T. GRCh37 (hg19) VCF-style: chr6-33156869-C-T.
Other names: c.329G>A, p.Arg110Gln (NM_001163771.2, NM_080679.3, NM_080681.3); short protein forms R110Q.
Identifiers: ClinVar variation 287843 (VCV000287843.31), dbSNP rs145960317, ClinGen allele CA3751692.